The following is an entry in ClinVar:

NM_002067.5(GNA11):c.898C>T (p.Arg300Trp)

Gene: GNA11 (G protein subunit alpha 11; plus strand). Cytogenetic location: 19p13.3.
Variant type: single nucleotide variant.
Coding change: c.898C>T on transcript NM_002067.5 (MANE Select); coding-DNA position 898, C replaced by T.
Protein change: p.Arg300Trp; replaces arginine 300 with tryptophan.
Molecular consequence: missense variant.
Genome position (GRCh38, 1-based): chr19:3,120,997, C>T. VCF-style: chr19-3120997-C-T. GRCh37 (hg19) VCF-style: chr19-3120995-C-T.
Other names: c.898C>T (NM_002067.2); short protein forms R300W.
Identifiers: ClinVar variation 2171757 (VCV002171757.5), dbSNP rs1461947710, ClinGen allele CA403311984.
Genomic context (GRCh38, chr19:3,120,997, plus strand): 5'-CCCTTGCCCTGGGCCGGGCTGGGGCACAGCCTCACCCTCTGCCCTCCCCCAGGTCCCCAG[C>T]GGGACGCCCAGGCGGCGCGGGAGTTCATCCTGAAGATGTTCGTGGACCTGAACCCCGACA-3'
Protein context (NP_002058.2, residues 290-310): DYFPEFDGPQ[Arg300Trp]DAQAAREFIL

ClinVar aggregate classification (germline): Uncertain significance. Review status: criteria provided, multiple submitters, no conflicts (2 of 4 stars). 2 submissions from 2 submitters: Uncertain significance (2). Last evaluated 2022-11-10.

Conditions:
Inborn genetic diseases. Identifiers: MedGen C0950123, MeSH D030342.

Allele frequency attached by ClinVar (database versions not stated): gnomAD 0.00001; TOPMed 0.00001.

Submissions (2):

Ambry Genetics
Classification: Uncertain significance for Inborn genetic diseases. Last evaluated: 2022-11-10. Review status: criteria provided, single submitter. Criteria: Ambry Variant Classification Scheme 2023. Collection method: clinical testing. Allele origin: germline.

Labcorp Genetics (formerly Invitae), Labcorp
Classification: Uncertain significance. Last evaluated: 2022-07-19. Review status: criteria provided, single submitter. Criteria: Invitae Variant Classification Sherloc (09022015). Collection method: clinical testing. Allele origin: germline.
Comment: In summary, the available evidence is currently insufficient to determine the role of this variant in disease. Therefore, it has been classified as a Variant of Uncertain Significance. Algorithms developed to predict the effect of missense changes on protein structure and function are either unavailable or do not agree on the potential impact of this missense change (SIFT: "Deleterious"; PolyPhen-2: "Possibly Damaging"; Align-GVGD: "Class C0"). This variant has not been reported in the literature in individuals affected with GNA11-related conditions. This variant is present in population databases (no rsID available, gnomAD 0.003%). This sequence change replaces arginine, which is basic and polar, with tryptophan, which is neutral and slightly polar, at codon 300 of the GNA11 protein (p.Arg300Trp).